The following is an entry in ClinVar:

ClinVar aggregate classification (germline): Uncertain significance (1 of 4 stars; one submission).

Allele frequency attached by ClinVar (database versions not stated): gnomAD exomes below 0.00001; ExAC 0.00001; gnomAD 0.00001; TOPMed 0.00001.
gnomAD v4.1: 5 of 1,614,186 alleles (0.00031%); highest among the groups gnomAD compares: Admixed American, 0.005%; no homozygotes.

Submission:

Labcorp Genetics (formerly Invitae), Labcorp
Classification: Uncertain significance. Last evaluated: 2022-04-17. Review status: criteria provided, single submitter. Criteria: Invitae Variant Classification Sherloc (09022015). Collection method: clinical testing. Allele origin: germline.
Comment: This sequence change replaces histidine, which is basic and polar, with arginine, which is basic and polar, at codon 2807 of the LRP2 protein (p.His2807Arg). This variant is present in population databases (rs534829035, gnomAD 0.006%). This variant has not been reported in the literature in individuals affected with LRP2-related conditions. Advanced modeling of protein sequence and biophysical properties (such as structural, functional, and spatial information, amino acid conservation, physicochemical variation, residue mobility, and thermodynamic stability) performed at Invitae indicates that this missense variant is not expected to disrupt LRP2 protein function. In summary, the available evidence is currently insufficient to determine the role of this variant in disease. Therefore, it has been classified as a Variant of Uncertain Significance.

NM_004525.3(LRP2):c.8420A>G (p.His2807Arg)

Gene: LRP2 (LDL receptor related protein 2; minus strand). Cytogenetic location: 2q31.1.
Variant type: single nucleotide variant.
Coding change: c.8420A>G on transcript NM_004525.3 (MANE Select); coding-DNA position 8420, A replaced by G.
Protein change: p.His2807Arg; replaces histidine 2807 with arginine.
Molecular consequence: missense variant.
Genome position (GRCh38, 1-based): chr2:169,201,660, T>C on the plus strand (A>G on the coding strand, the complement: LRP2 is on the minus strand). VCF-style: chr2-169201660-T-C. GRCh37 (hg19) VCF-style: chr2-170058170-T-C.
Other names: short protein forms H2807R.
Identifiers: ClinVar variation 1947864 (VCV001947864.2), dbSNP rs534829035, ClinGen allele CA1953869.